The following is an entry in ClinVar:

NM_001673.5(ASNS):c.654T>C (p.Asn218=)

Genes: ASNS (asparagine synthetase (glutamine-hydrolyzing); minus strand), CZ1P-ASNS (CZ1P-ASNS readthrough; minus strand). Cytogenetic location: 7q21.3.
Variant type: single nucleotide variant.
Coding change: c.654T>C on transcript NM_001673.5 (MANE Select); coding-DNA position 654, T replaced by C.
Protein change: p.Asn218=; no amino-acid change (asparagine 218 retained).
Molecular consequence: synonymous variant. On other transcripts: non-coding transcript variant (1).
Genome position (GRCh38, 1-based): chr7:97,859,232, A>G on the plus strand (T>C on the coding strand, the complement: ASNS is on the minus strand). VCF-style: chr7-97859232-A-G. GRCh37 (hg19) VCF-style: chr7-97488544-A-G.
Other names: c.591T>C, p.Asn197= (NM_001178075.2); c.405T>C, p.Asn135= (NM_001178076.2, NM_001178077.1); c.654T>C, p.Asn218= (NM_001352496.2, NM_133436.3, NM_183356.4).
Identifiers: ClinVar variation 1119757 (VCV001119757.13), dbSNP rs751278796, ClinGen allele CA4354730.
Genomic context (GRCh38, chr7:97,859,232, plus strand): 5'-CTTGGAGAAGGATGGGGAATAGGTGGGTGGGTGTCTGCTACCTGGAAAGAGTTTCTCCAC[A>G]TTGTCATAGAGGGCGTGCAGGGGTACATCCCGACAGTGATGATATTTAACCATTTCCACG-3'
Protein context (NP_001664.3, residues 208-228): RDVPLHALYD[Asn218=]VEKLFPGFEI

ClinVar aggregate classification (germline): Likely benign. Review status: criteria provided, multiple submitters, no conflicts (2 of 4 stars). 2 submissions from 2 submitters: Likely benign (2). Last evaluated 2026-02-01.

Allele frequency attached by ClinVar (database versions not stated): gnomAD 0.00001; ExAC 0.00002; gnomAD exomes 0.00002; TOPMed 0.00002.
gnomAD v4.1: 10 of 1,607,720 alleles (0.00062%); highest among the groups gnomAD compares: Non-Finnish European, 0.00068%; no homozygotes.

Submissions (2):

CeGaT Center for Human Genetics Tuebingen
Classification: Likely benign. Last evaluated: 2026-02-01. Review status: criteria provided, single submitter. Criteria: CeGaT Center For Human Genetics Tuebingen Variant Classification Criteria Version 2. Collection method: clinical testing. Allele origin: germline. Affected: yes. Observed: 1 variant allele.
Comment: ASNS: BP4, BP7

Labcorp Genetics (formerly Invitae), Labcorp
Classification: Likely benign. Last evaluated: 2024-05-14. Review status: criteria provided, single submitter. Criteria: Invitae Variant Classification Sherloc (09022015). Collection method: clinical testing. Allele origin: germline.